The following is an entry in ClinVar:

NM_013432.5(TONSL):c.1437G>C (p.Glu479Asp)

Gene: TONSL (tonsoku like, DNA repair protein; minus strand). Cytogenetic location: 8q24.3.
Variant type: single nucleotide variant.
Coding change: c.1437G>C on transcript NM_013432.5 (MANE Select); coding-DNA position 1437, G replaced by C.
Protein change: p.Glu479Asp; replaces glutamic acid 479 with aspartic acid.
Molecular consequence: missense variant.
Genome position (GRCh38, 1-based): chr8:144,440,064, C>G on the plus strand (G>C on the coding strand, the complement: TONSL is on the minus strand). VCF-style: chr8-144440064-C-G. GRCh37 (hg19) VCF-style: chr8-145665447-C-G.
Other names: short protein forms E479D.
Identifiers: ClinVar variation 1386141 (VCV001386141.6), dbSNP rs770868542, ClinGen allele CA4943237.

ClinVar aggregate classification (germline): Uncertain significance (1 of 4 stars; one submission).

Allele frequency attached by ClinVar (database versions not stated): TOPMed 0.00001; ExAC 0.00002; gnomAD exomes 0.00003.
gnomAD v4.1: 6 of 1,573,710 alleles (0.00038%); highest among the groups gnomAD compares: Admixed American, 0.0084%; no homozygotes.

Submission:

Labcorp Genetics (formerly Invitae), Labcorp
Classification: Uncertain significance. Last evaluated: 2023-07-17. Review status: criteria provided, single submitter. Criteria: Invitae Variant Classification Sherloc (09022015). Collection method: clinical testing. Allele origin: germline.
Comment: This sequence change replaces glutamic acid, which is acidic and polar, with aspartic acid, which is acidic and polar, at codon 479 of the TONSL protein (p.Glu479Asp). This variant is present in population databases (rs770868542, gnomAD 0.02%). This variant has not been reported in the literature in individuals affected with TONSL-related conditions. ClinVar contains an entry for this variant (Variation ID: 1386141). Advanced modeling of protein sequence and biophysical properties (such as structural, functional, and spatial information, amino acid conservation, physicochemical variation, residue mobility, and thermodynamic stability) performed at Invitae indicates that this missense variant is not expected to disrupt TONSL protein function. In summary, the available evidence is currently insufficient to determine the role of this variant in disease. Therefore, it has been classified as a Variant of Uncertain Significance.